The following is an entry in ClinVar:

ClinVar aggregate classification (germline): Uncertain significance (1 of 4 stars; one submission).

Conditions:
P2RX1-related disorder. Also called: P2RX1-related condition.

gnomAD v4.1: 34 of 1,613,282 alleles (0.0021%); highest among the groups gnomAD compares: African/African-American, 0.004%; no homozygotes.

Submission:

PreventionGenetics, part of Exact Sciences
Classification: Uncertain significance for P2RX1-related condition. Last evaluated: 2023-09-29. Review status: criteria provided, single submitter. Criteria: ACMG Guidelines, 2015. Collection method: clinical testing. Allele origin: germline.
Comment: The P2RX1 c.58C>T variant is predicted to result in the amino acid substitution p.Arg20Cys. To our knowledge, this variant has not been reported in the literature. This variant is reported in 0.0062% of alleles in individuals of African descent in gnomAD. At this time, the clinical significance of this variant is uncertain due to the absence of conclusive functional and genetic evidence.

NM_002558.4(P2RX1):c.58C>T (p.Arg20Cys)

Gene: P2RX1 (purinergic receptor P2X 1; minus strand). Cytogenetic location: 17p13.2.
Variant type: single nucleotide variant.
Coding change: c.58C>T on transcript NM_002558.4 (MANE Select); coding-DNA position 58, C replaced by T.
Protein change: p.Arg20Cys; replaces arginine 20 with cysteine.
Molecular consequence: missense variant.
Genome position (GRCh38, 1-based): chr17:3,916,168, G>A on the plus strand (C>T on the coding strand, the complement: P2RX1 is on the minus strand). VCF-style: chr17-3916168-G-A. GRCh37 (hg19) VCF-style: chr17-3819462-G-A.
Other names: short protein forms R20C.
Identifiers: ClinVar variation 2634515 (VCV002634515.1), dbSNP rs201679579, ClinGen allele CA397190140.
Genomic context (GRCh38, chr17:3,916,168, plus strand): 5'-CCACCAGCTGGATCAGTCGGAAGATAACGCCCACCTTCTTATTACGCACCAGCACCATGC[G>A]GGGGGTGTCATACTCGAAGAGGAAGGCGGCCAGCTCCTCCTGGAACCGCCGTGCCATGGT-3'
Protein context (NP_002549.1, residues 10-30): AAFLFEYDTP[Arg20Cys]MVLVRNKKVG